The following is an entry in ClinVar:

ClinVar aggregate classification (germline): Benign. Review status: criteria provided, multiple submitters, no conflicts (2 of 4 stars). 3 submissions from 3 submitters: Benign (3). Last evaluated 2025-12-08.

Allele frequency attached by ClinVar (database versions not stated): 1000 Genomes Project 0.00479; 1000 Genomes Project 30x 0.00515; ExAC 0.00731; gnomAD exomes 0.00753; gnomAD 0.00761 and 0.00774; TOPMed 0.00793; ESP Exome Variant Server 0.00807.
gnomAD v4.1: 17,335 of 1,612,180 alleles (1.1%); highest among the groups gnomAD compares: Middle Eastern, 1.7%; 123 homozygotes.

Submissions (3):

Labcorp Genetics (formerly Invitae), Labcorp
Classification: Benign. Last evaluated: 2025-12-08. Review status: criteria provided, single submitter. Criteria: Invitae Variant Classification Sherloc (09022015). Collection method: clinical testing. Allele origin: germline.

CeGaT Center for Human Genetics Tuebingen
Classification: Benign. Last evaluated: 2023-02-01. Review status: criteria provided, single submitter. Criteria: CeGaT Center For Human Genetics Tuebingen Variant Classification Criteria Version 2. Collection method: clinical testing. Allele origin: germline. Affected: yes. Observed: 2 variant alleles.
Comment: ALX1: BS1, BS2

Breakthrough Genomics
Classification: Benign. Review status: criteria provided, single submitter. Criteria: ACMG Guidelines, 2015. Collection method: not provided. Allele origin: germline. Inheritance: Autosomal recessive inheritance. Affected: yes.

NM_006982.3(ALX1):c.182A>G (p.His61Arg)

Genes: ALX1 (ALX homeobox 1; plus strand), LOC124629423 (Sharpr-MPRA regulatory region 79; plus strand). Cytogenetic location: 12q21.31.
Variant type: single nucleotide variant.
Coding change: c.182A>G on transcript NM_006982.3 (MANE Select); coding-DNA position 182, A replaced by G.
Protein change: p.His61Arg; replaces histidine 61 with arginine.
Molecular consequence: missense variant.
Genome position (GRCh38, 1-based): chr12:85,280,443, A>G. VCF-style: chr12-85280443-A-G. GRCh37 (hg19) VCF-style: chr12-85674221-A-G.
Other names: short protein forms H61R.
Identifiers: ClinVar variation 770412 (VCV000770412.34), dbSNP rs115440539, ClinGen allele CA6709458.